The following is an entry in ClinVar:

NM_005529.7(HSPG2):c.3865G>A (p.Ala1289Thr)

Gene: HSPG2 (heparan sulfate proteoglycan 2; minus strand). Cytogenetic location: 1p36.12.
Variant type: single nucleotide variant.
Coding change: c.3865G>A on transcript NM_005529.7 (MANE Select); coding-DNA position 3865, G replaced by A.
Protein change: p.Ala1289Thr; replaces alanine 1289 with threonine.
Molecular consequence: missense variant.
Genome position (GRCh38, 1-based): chr1:21,873,020, C>T on the plus strand (G>A on the coding strand, the complement: HSPG2 is on the minus strand). VCF-style: chr1-21873020-C-T. GRCh37 (hg19) VCF-style: chr1-22199513-C-T.
Other names: c.3868G>A, p.Ala1290Thr (NM_001291860.2); short protein forms A1289T, A1290T.
Identifiers: ClinVar variation 3626573 (VCV003626573.2).

ClinVar aggregate classification (germline): Uncertain significance (1 of 4 stars; one submission).

gnomAD v4.1: 19 of 1,609,630 alleles (0.0012%); highest among the groups gnomAD compares: Non-Finnish European, 0.0013%; no homozygotes.

Submission:

Labcorp Genetics (formerly Invitae), Labcorp
Classification: Uncertain significance. Last evaluated: 2024-07-31. Review status: criteria provided, single submitter. Criteria: Invitae Variant Classification Sherloc (09022015). Collection method: clinical testing. Allele origin: germline.
Comment: This sequence change replaces alanine, which is neutral and non-polar, with threonine, which is neutral and polar, at codon 1289 of the HSPG2 protein (p.Ala1289Thr). This variant is present in population databases (rs757036018, gnomAD 0.005%). This variant has not been reported in the literature in individuals affected with HSPG2-related conditions. An algorithm developed to predict the effect of missense changes on protein structure and function outputs the following: PolyPhen-2: "Benign". The threonine amino acid residue is found in multiple mammalian species, which suggests that this missense change does not adversely affect protein function. In summary, the available evidence is currently insufficient to determine the role of this variant in disease. Therefore, it has been classified as a Variant of Uncertain Significance.